The following is an entry in ClinVar:

ClinVar aggregate classification (germline): Conflicting classifications of pathogenicity. Review status: criteria provided, conflicting classifications (1 of 4 stars). 3 submissions from 3 submitters: Uncertain significance (2); Likely benign (1). Last evaluated 2025-02-05.

Conditions:
Inborn genetic diseases. Identifiers: MedGen C0950123, MeSH D030342.
Spastic paraplegia. Identifiers: MedGen C0037772, HP:0001258.

Allele frequency attached by ClinVar (database versions not stated): ExAC 0.00002; TOPMed 0.00002; gnomAD 0.00005.
gnomAD v4.1: 24 of 1,614,120 alleles (0.0015%); highest among the groups gnomAD compares: African/African-American, 0.0093%; no homozygotes.

Submissions (3):

Athena Diagnostics
Classification: Uncertain significance. Last evaluated: 2025-02-05. Review status: criteria provided, single submitter. Criteria: Athena Diagnostics Criteria. Collection method: clinical testing. Allele origin: unknown.
Comment: Available data are insufficient to determine the clinical significance of the variant at this time. The frequency of this variant in the general population is uninformative in assessment of its pathogenicity. Polyphen and MutationTaster predict this amino acid change may be damaging to the protein.

Ambry Genetics
Classification: Uncertain significance for Inborn genetic diseases. Last evaluated: 2023-09-29. Review status: criteria provided, single submitter. Criteria: Ambry Variant Classification Scheme 2023. Collection method: clinical testing. Allele origin: germline.

Labcorp Genetics (formerly Invitae), Labcorp
Classification: Likely benign for Spastic paraplegia. Last evaluated: 2023-09-08. Review status: criteria provided, single submitter. Criteria: Invitae Variant Classification Sherloc (09022015). Collection method: clinical testing. Allele origin: germline.

NM_014363.6(SACS):c.13342C>T (p.Arg4448Cys)

Gene: SACS (sacsin molecular chaperone; minus strand). Cytogenetic location: 13q12.12.
Variant type: single nucleotide variant.
Coding change: c.13342C>T on transcript NM_014363.6 (MANE Select); coding-DNA position 13342, C replaced by T.
Protein change: p.Arg4448Cys; replaces arginine 4448 with cysteine.
Molecular consequence: missense variant.
Genome position (GRCh38, 1-based): chr13:23,330,534, G>A on the plus strand (C>T on the coding strand, the complement: SACS is on the minus strand). VCF-style: chr13-23330534-G-A. GRCh37 (hg19) VCF-style: chr13-23904673-G-A.
Other names: c.13342C>T (NM_014363.4); c.12901C>T, p.Arg4301Cys (NM_001278055.2); short protein forms R4301C, R4448C.
Identifiers: ClinVar variation 2085098 (VCV002085098.6), dbSNP rs770940649, ClinGen allele CA6909979.